The following is an entry in ClinVar:

NM_001303457.2(TTI1):c.2605C>T (p.Arg869Cys)

Gene: TTI1 (TELO2 interacting protein 1; minus strand). Cytogenetic location: 20q11.23.
Variant type: single nucleotide variant.
Coding change: c.2605C>T on transcript NM_001303457.2 (MANE Select); coding-DNA position 2605, C replaced by T.
Protein change: p.Arg869Cys; replaces arginine 869 with cysteine.
Molecular consequence: missense variant.
Genome position (GRCh38, 1-based): chr20:38,002,675, G>A on the plus strand (C>T on the coding strand, the complement: TTI1 is on the minus strand). VCF-style: chr20-38002675-G-A. GRCh37 (hg19) VCF-style: chr20-36631077-G-A.
Other names: c.2605C>T, p.Arg869Cys (NM_014657.3); c.2605C>T (NM_014657.2); short protein forms R869C.
Identifiers: ClinVar variation 2598681 (VCV002598681.3), dbSNP rs141463873, ClinGen allele CA9849233.

ClinVar aggregate classification (germline): Uncertain significance. Review status: criteria provided, multiple submitters, no conflicts (2 of 4 stars). 2 submissions from 2 submitters: Uncertain significance (2). Last evaluated 2025-07-10.

Conditions:
Inborn genetic diseases. Identifiers: MedGen C0950123, MeSH D030342.

Allele frequency attached by ClinVar (database versions not stated): gnomAD exomes 0.00002; TOPMed 0.00017; gnomAD 0.00019; ESP Exome Variant Server 0.00038; 1000 Genomes Project 0.00040; 1000 Genomes Project 30x 0.00047; ExAC 0.00006.
gnomAD v4.1: 56 of 1,614,206 alleles (0.0035%); highest among the groups gnomAD compares: African/African-American, 0.064%; no homozygotes.

Submissions (2):

GeneDx
Classification: Uncertain significance. Last evaluated: 2025-07-10. Review status: criteria provided, single submitter. Criteria: GeneDx Variant Classification Process June 2021. Collection method: clinical testing. Allele origin: germline. Affected: yes.
Comment: In silico analysis supports that this missense variant has a deleterious effect on protein structure/function; Has not been previously published as pathogenic or benign to our knowledge

Ambry Genetics
Classification: Uncertain significance for Inborn genetic diseases. Last evaluated: 2023-08-21. Review status: criteria provided, single submitter. Criteria: Ambry Variant Classification Scheme 2023. Collection method: clinical testing. Allele origin: germline.